The following is an entry in ClinVar:

NM_004006.3(DMD):c.903C>A (p.Tyr301Ter)

Gene: DMD (dystrophin; minus strand). Cytogenetic location: Xp21.1.
Variant type: single nucleotide variant.
Coding change: c.903C>A on transcript NM_004006.3 (MANE Select); coding-DNA position 903, C replaced by A.
Protein change: p.Tyr301Ter; replaces tyrosine 301 with a stop codon.
Molecular consequence: nonsense.
Genome position (GRCh38, 1-based): chrX:32,697,927, G>T on the plus strand (C>A on the coding strand, the complement: DMD is on the minus strand). VCF-style: chrX-32697927-G-T. GRCh37 (hg19) VCF-style: chrX-32716044-G-T.
Other names: c.879C>A, p.Tyr293Ter (NM_000109.4); c.891C>A, p.Tyr297Ter (NM_004009.3); c.534C>A, p.Tyr178Ter (NM_004010.3); short protein forms Y178*, Y293*, Y297*, Y301*.
Identifiers: ClinVar variation 1322345 (VCV001322345.2), dbSNP rs2147581521, ClinGen allele CA412668540.

ClinVar aggregate classification (germline): Pathogenic (1 of 4 stars; one submission).

Conditions:
Duchenne muscular dystrophy (DMD). Also called: MUSCULAR DYSTROPHY, PSEUDOHYPERTROPHIC PROGRESSIVE, DUCHENNE TYPE; Duchenne Muscular Dystrophy (DMD). Identifiers: Orphanet 98896, MedGen C0013264, MONDO:0010679, OMIM 310200.

Submission:

Laboratory of Medical Genetics, National & Kapodistrian University of Athens
Classification: Pathogenic for Duchenne muscular dystrophy. Last evaluated: 2022-12-16. Review status: criteria provided, single submitter. Criteria: ACMG Guidelines, 2015. Collection method: clinical testing. Allele origin: germline. Affected: yes.
Comment: PVS1, PM2, PP5